The following is an entry in ClinVar:

ClinVar aggregate classification (germline): Pathogenic (1 of 4 stars; one submission).

Submission:

Labcorp Genetics (formerly Invitae), Labcorp
Classification: Pathogenic. Last evaluated: 2024-10-05. Review status: criteria provided, single submitter. Criteria: Invitae Variant Classification Sherloc (09022015). Collection method: clinical testing. Allele origin: germline.
Comment: This sequence change creates a premature translational stop signal (p.Trp1721*) in the MCM3AP gene. It is expected to result in an absent or disrupted protein product. Loss-of-function variants in MCM3AP are known to be pathogenic (PMID: 28633435). This variant is not present in population databases (gnomAD no frequency). This variant has not been reported in the literature in individuals affected with MCM3AP-related conditions. For these reasons, this variant has been classified as Pathogenic.

Literature cited by the submitters: PubMed 28633435.

NM_003906.5(MCM3AP):c.5162G>A (p.Trp1721Ter)

Genes: MCM3AP (minichromosome maintenance complex component 3 associated protein; minus strand), MCM3AP-AS1 (MCM3AP antisense RNA 1; plus strand). Cytogenetic location: 21q22.3.
Variant type: single nucleotide variant.
Coding change: c.5162G>A on transcript NM_003906.5 (MANE Select); coding-DNA position 5162, G replaced by A.
Protein change: p.Trp1721Ter; replaces tryptophan 1721 with a stop codon.
Molecular consequence: nonsense.
Genome position (GRCh38, 1-based): chr21:46,243,599, C>T on the plus strand (G>A on the coding strand, the complement: MCM3AP is on the minus strand). VCF-style: chr21-46243599-C-T. GRCh37 (hg19) VCF-style: chr21-47663513-C-T.
Other names: short protein forms W1721*.
Identifiers: ClinVar variation 3722261 (VCV003722261.2).